The following is an entry in ClinVar:

NM_003384.3(VRK1):c.216+299T>C

Gene: VRK1 (VRK serine/threonine kinase 1; plus strand). Cytogenetic location: 14q32.2.
Variant type: single nucleotide variant.
Coding change: c.216+299T>C on transcript NM_003384.3 (MANE Select); 299 bases into the intron after coding-DNA position 216, T replaced by C.
Molecular consequence: intron variant.
Genome position (GRCh38, 1-based): chr14:96,838,116, T>C. VCF-style: chr14-96838116-T-C. GRCh37 (hg19) VCF-style: chr14-97304453-T-C.
Identifiers: ClinVar variation 680843 (VCV000680843.1), dbSNP rs2180896, ClinGen allele CA16498167.

ClinVar aggregate classification (germline): Benign (1 of 4 stars; one submission).

Allele frequency attached by ClinVar (database versions not stated): 1000 Genomes Project 0.54752; 1000 Genomes Project 30x 0.55294; TOPMed 0.61971; gnomAD 0.62569 and 0.63132.
gnomAD v4.1: 94,984 of 151,854 alleles (63%); highest among the groups gnomAD compares: African/African-American, 69%; 30,582 homozygotes.

Submission:

GeneDx
Classification: Benign. Last evaluated: 2018-06-14. Review status: criteria provided, single submitter. Criteria: GeneDx Variant Classification (06012015). Collection method: clinical testing. Allele origin: germline. Affected: yes.
Comment: This variant is considered likely benign or benign based on one or more of the following criteria: it is a conservative change, it occurs at a poorly conserved position in the protein, it is predicted to be benign by multiple in silico algorithms, and/or has population frequency not consistent with disease.